The following is an entry in ClinVar:

ClinVar aggregate classification (germline): Uncertain significance (1 of 4 stars; one submission).

Allele frequency attached by ClinVar (database versions not stated): gnomAD exomes below 0.00001 and 0.00001; ExAC 0.00001; gnomAD 0.00001.
gnomAD v4.1: 18 of 1,614,014 alleles (0.0011%); highest among the groups gnomAD compares: Non-Finnish European, 0.0014%; no homozygotes.

Submission:

Labcorp Genetics (formerly Invitae), Labcorp
Classification: Uncertain significance. Last evaluated: 2022-03-19. Review status: criteria provided, single submitter. Criteria: Invitae Variant Classification Sherloc (09022015). Collection method: clinical testing. Allele origin: germline.
Comment: In summary, the available evidence is currently insufficient to determine the role of this variant in disease. Therefore, it has been classified as a Variant of Uncertain Significance. Algorithms developed to predict the effect of missense changes on protein structure and function are either unavailable or do not agree on the potential impact of this missense change (SIFT: "Deleterious"; PolyPhen-2: "Probably Damaging"; Align-GVGD: "Class C0"). This sequence change replaces glutamic acid, which is acidic and polar, with lysine, which is basic and polar, at codon 1812 of the CCDC88A protein (p.Glu1812Lys). This variant has not been reported in the literature in individuals affected with CCDC88A-related conditions. This variant is present in population databases (rs749349350, gnomAD 0.004%).

NM_001365480.1(CCDC88A):c.5437G>A (p.Glu1813Lys)

Gene: CCDC88A (coiled-coil and HOOK domain protein 88A; minus strand). Cytogenetic location: 2p16.1.
Variant type: single nucleotide variant.
Coding change: c.5437G>A on transcript NM_001365480.1 (MANE Select); coding-DNA position 5437, G replaced by A.
Protein change: p.Glu1813Lys; replaces glutamic acid 1813 with lysine.
Molecular consequence: missense variant.
Genome position (GRCh38, 1-based): chr2:55,295,711, C>T on the plus strand (G>A on the coding strand, the complement: CCDC88A is on the minus strand). VCF-style: chr2-55295711-C-T. GRCh37 (hg19) VCF-style: chr2-55522847-C-T.
Other names: c.5434G>A, p.Glu1812Lys (NM_001135597.2); c.5212G>A, p.Glu1738Lys (NM_001254943.2); c.5353G>A, p.Glu1785Lys (NM_018084.5); short protein forms E1738K, E1785K, E1812K, E1813K.
Identifiers: ClinVar variation 1347680 (VCV001347680.8), dbSNP rs749349350, ClinGen allele CA1665326.